The following is an entry in ClinVar:

NM_002334.4(LRP4):c.1279C>T (p.Arg427Trp)

Gene: LRP4 (LDL receptor related protein 4; minus strand). Cytogenetic location: 11p11.2.
Variant type: single nucleotide variant.
Coding change: c.1279C>T on transcript NM_002334.4 (MANE Select); coding-DNA position 1279, C replaced by T.
Protein change: p.Arg427Trp; replaces arginine 427 with tryptophan.
Molecular consequence: missense variant.
Genome position (GRCh38, 1-based): chr11:46,895,196, G>A on the plus strand (C>T on the coding strand, the complement: LRP4 is on the minus strand). VCF-style: chr11-46895196-G-A. GRCh37 (hg19) VCF-style: chr11-46916747-G-A.
Other names: short protein forms R427W.
Identifiers: ClinVar variation 2196121 (VCV002196121.2), dbSNP rs770749728, ClinGen allele CA5970208.
Genomic context (GRCh38, chr11:46,895,196, plus strand): 5'-CCCACCCAGCCAAGTGCCAACAGCCCTTACCCAGAGCCTTGCAGCTGCGCCGGTCGGGCC[G>A]TAGTTCATAGCCTGTTTCACACCAGCATTGGAAAGCCCCTTCGCTGTTGGTGCAGCCCTG-3'
Protein context (NP_002325.2, residues 417-437): QCWCETGYEL[Arg427Trp]PDRRSCKALG

ClinVar aggregate classification (germline): Uncertain significance (1 of 4 stars; one submission).

Conditions:
Cenani-Lenz syndactyly syndrome. Also called: SYNDACTYLY, TYPE VII; CENANI SYNDACTYLISM. Identifiers: Orphanet 3258, MedGen C1859309, MONDO:0008931, OMIM 212780.
Congenital myasthenic syndrome 17. Identifiers: Orphanet 590, MedGen C4225377, MONDO:0014578, OMIM 616304.
Sclerosteosis 2 (SOST2). Identifiers: Orphanet 3152, MedGen C3280402, MONDO:0013679, OMIM 614305.

Allele frequency attached by ClinVar (database versions not stated): gnomAD exomes below 0.00001; ExAC 0.00002.
gnomAD v4.1: 5 of 1,614,046 alleles (0.00031%); highest among the groups gnomAD compares: Non-Finnish European, 0.00042%; no homozygotes.

Submission:

Labcorp Genetics (formerly Invitae), Labcorp
Classification: Uncertain significance for Cenani-Lenz syndactyly syndrome; Sclerosteosis 2; Congenital myasthenic syndrome 17. Last evaluated: 2022-09-19. Review status: criteria provided, single submitter. Criteria: Invitae Variant Classification Sherloc (09022015). Collection method: clinical testing. Allele origin: germline.
Comment: In summary, the available evidence is currently insufficient to determine the role of this variant in disease. Therefore, it has been classified as a Variant of Uncertain Significance. Algorithms developed to predict the effect of missense changes on protein structure and function are either unavailable or do not agree on the potential impact of this missense change (SIFT: "Deleterious"; PolyPhen-2: "Probably Damaging"; Align-GVGD: "Class C0"). This variant has not been reported in the literature in individuals affected with LRP4-related conditions. This variant is present in population databases (rs770749728, gnomAD 0.006%). This sequence change replaces arginine, which is basic and polar, with tryptophan, which is neutral and slightly polar, at codon 427 of the LRP4 protein (p.Arg427Trp).